The following is an entry in ClinVar:

NM_032119.4(ADGRV1):c.13904T>G (p.Phe4635Cys)

Gene: ADGRV1 (adhesion G protein-coupled receptor V1; plus strand). Cytogenetic location: 5q14.3.
Variant type: single nucleotide variant.
Coding change: c.13904T>G on transcript NM_032119.4 (MANE Select); coding-DNA position 13904, T replaced by G.
Protein change: p.Phe4635Cys; replaces phenylalanine 4635 with cysteine.
Molecular consequence: missense variant. On other transcripts: non-coding transcript variant (1).
Genome position (GRCh38, 1-based): chr5:90,789,712, T>G. VCF-style: chr5-90789712-T-G. GRCh37 (hg19) VCF-style: chr5-90085529-T-G.
Other names: short protein forms F4635C.
Identifiers: ClinVar variation 1348427 (VCV001348427.6), dbSNP rs1458595980, ClinGen allele CA360398443.

ClinVar aggregate classification (germline): Uncertain significance (1 of 4 stars; one submission).

Allele frequency attached by ClinVar (database versions not stated): TOPMed below 0.00001; gnomAD exomes 0.00001.
gnomAD v4.1: 9 of 1,550,686 alleles (0.00058%); highest among the groups gnomAD compares: Non-Finnish European, 0.00079%; no homozygotes.

Submission:

Labcorp Genetics (formerly Invitae), Labcorp
Classification: Uncertain significance. Last evaluated: 2021-10-31. Review status: criteria provided, single submitter. Criteria: Invitae Variant Classification Sherloc (09022015). Collection method: clinical testing. Allele origin: germline.
Comment: In summary, the available evidence is currently insufficient to determine the role of this variant in disease. Therefore, it has been classified as a Variant of Uncertain Significance. Algorithms developed to predict the effect of missense changes on protein structure and function are either unavailable or do not agree on the potential impact of this missense change (SIFT: "Deleterious"; PolyPhen-2: "Probably Damaging"; Align-GVGD: "Class C0"). This sequence change replaces phenylalanine, which is neutral and non-polar, with cysteine, which is neutral and slightly polar, at codon 4635 of the ADGRV1 protein (p.Phe4635Cys). This variant is not present in population databases (gnomAD no frequency). This variant has not been reported in the literature in individuals affected with ADGRV1-related conditions.